The following is an entry in ClinVar:

ClinVar aggregate classification (germline): Uncertain significance (1 of 4 stars; one submission).

Submission:

Ambry Genetics
Classification: Uncertain significance. Last evaluated: 2024-08-10. Review status: criteria provided, single submitter. Criteria: Ambry Variant Classification Scheme 2023. Collection method: clinical testing. Allele origin: germline.
Comment: The p.C1307Y variant (also known as c.3920G>A), located in coding exon 8 of the MLH3 gene, results from a G to A substitution at nucleotide position 3920. The cysteine at codon 1307 is replaced by tyrosine, an amino acid with highly dissimilar properties. This amino acid position is conserved. In addition, this alteration is predicted to be deleterious by in silico analysis. Based on the available evidence, the clinical significance of this variant remains unclear.

NM_001040108.2(MLH3):c.3920G>A (p.Cys1307Tyr)

Gene: MLH3 (mutL homolog 3; minus strand). Cytogenetic location: 14q24.3.
Variant type: single nucleotide variant.
Coding change: c.3920G>A on transcript NM_001040108.2 (MANE Select); coding-DNA position 3920, G replaced by A.
Protein change: p.Cys1307Tyr; replaces cysteine 1307 with tyrosine.
Molecular consequence: missense variant.
Genome position (GRCh38, 1-based): chr14:75,030,610, C>T on the plus strand (G>A on the coding strand, the complement: MLH3 is on the minus strand). VCF-style: chr14-75030610-C-T. GRCh37 (hg19) VCF-style: chr14-75497313-C-T.
Other names: c.3848G>A, p.Cys1283Tyr (NM_014381.3); short protein forms C1283Y, C1307Y.
Identifiers: ClinVar variation 3396683 (VCV003396683.1).